The following is an entry in ClinVar:

NM_015338.6(ASXL1):c.1946G>A (p.Gly649Glu)

Gene: ASXL1 (ASXL transcriptional regulator 1; plus strand). Cytogenetic location: 20q11.21.
Variant type: single nucleotide variant.
Coding change: c.1946G>A on transcript NM_015338.6 (MANE Select); coding-DNA position 1946, G replaced by A.
Protein change: p.Gly649Glu; replaces glycine 649 with glutamic acid.
Molecular consequence: missense variant.
Genome position (GRCh38, 1-based): chr20:32,434,658, G>A. VCF-style: chr20-32434658-G-A. GRCh37 (hg19) VCF-style: chr20-31022461-G-A.
Other names: c.1763G>A, p.Gly588Glu (NM_001363734.1); short protein forms G588E, G649E.
Identifiers: ClinVar variation 4588414 (VCV004588414.1).

ClinVar aggregate classification (germline): Uncertain significance (1 of 4 stars; one submission).

Conditions:
Inborn genetic diseases. Identifiers: MedGen C0950123, MeSH D030342.

gnomAD v4.1: 2 of 1,604,596 alleles (0.00012%); highest among the groups gnomAD compares: Non-Finnish European, 0.00017%; no homozygotes.

Submission:

Ambry Genetics
Classification: Uncertain significance for Inborn genetic diseases. Last evaluated: 2025-11-04. Review status: criteria provided, single submitter. Criteria: Ambry Variant Classification Scheme 2023. Collection method: clinical testing. Allele origin: germline.
Comment: The p.G649E variant (also known as c.1946G>A), located in coding exon 13 of the ASXL1 gene, results from a G to A substitution at nucleotide position 1946. The glycine at codon 649 is replaced by glutamic acid, an amino acid with similar properties. This amino acid position is conserved. In addition, this alteration is predicted to be tolerated by in silico analysis. Based on the available evidence, the clinical significance of this variant remains unclear.